The following is an entry in ClinVar:

ClinVar aggregate classification (germline): Pathogenic (1 of 4 stars; one submission).

Conditions:
Mucopolysaccharidosis, MPS-II (MPS2). Also called: Hunter Syndrome; IDURONATE 2-SULFATASE DEFICIENCY; Mucopolysaccharidosis Type II; Mucopolysaccharidosis type 2; Attenuated MPS (subtype; formerly known as mild MPS II); Severe MPS II. Identifiers: Orphanet 580, Orphanet 79388, MedGen C0026705, MONDO:0010674, OMIM 309900.

Submission:

Laboratory of Diagnosis and Therapy of Lysosomal Disorders, University of Padova
Classification: Pathogenic for Mucopolysaccharidosis, MPS-II. Last evaluated: 2024-06-07. Review status: criteria provided, single submitter. Criteria: ACMG Guidelines, 2015. Collection method: literature only. Allele origin: germline. Affected: yes. Observed: 4 variant alleles.
Comment: Null variant (PVS1_VeryStrong), In vitro or in vivo functional studies supportive of a damaging effect (PS3_Strong), Absent from controls (or at low frequency) in gnomAD database (PM2_Moderate), Patient’s phenotype or family history highly specific for the disease (PP4_Moderate)

Classification method: ACMG Guidelines [PMID:25741868] with modifications

Literature cited by the submitters: PubMed 15614569; PubMed 34813777; PubMed 31877959; PubMed 36945845.

NM_000202.8(IDS):c.801G>A (p.Trp267Ter)

Genes: IDS (iduronate 2-sulfatase; minus strand), LOC106050102 (IDS recombination region; plus strand). Cytogenetic location: Xq28.
Variant type: single nucleotide variant.
Coding change: c.801G>A on transcript NM_000202.8 (MANE Select); coding-DNA position 801, G replaced by A.
Protein change: p.Trp267Ter; replaces tryptophan 267 with a stop codon.
Molecular consequence: nonsense. On other transcripts: non-coding transcript variant (1).
Genome position (GRCh38, 1-based): chrX:149,496,424, C>T on the plus strand (G>A on the coding strand, the complement: IDS is on the minus strand). VCF-style: chrX-149496424-C-T. GRCh37 (hg19) VCF-style: chrX-148577955-C-T.
Other names: c.531G>A, p.Trp177Ter (NM_001166550.4); c.801G>A, p.Trp267Ter (NM_006123.5); short protein forms W177*, W267*.
Identifiers: ClinVar variation 3255849 (VCV003255849.2).
Genomic context (GRCh38, chrX:149,496,424, plus strand): 5'-TGGACCATACGGCACACTGATGTTTAAGGCTTGGACGTCTTCCCGTTGCCTGATGTCCAT[C>T]CAGGGGTTGTAGGCCACAGGGGGTAGGCCATCAGGGACCTCGGGATCGGGGGCCAGGGTG-3'